The following is an entry in ClinVar:

NM_000051.4(ATM):c.975T>C (p.His325=)

Gene: ATM (ATM serine/threonine kinase; plus strand). Cytogenetic location: 11q22.3.
Variant type: single nucleotide variant.
Coding change: c.975T>C on transcript NM_000051.4 (MANE Select); coding-DNA position 975, T replaced by C.
Protein change: p.His325=; no amino-acid change (histidine 325 retained).
Molecular consequence: synonymous variant.
Genome position (GRCh38, 1-based): chr11:108,247,037, T>C. VCF-style: chr11-108247037-T-C. GRCh37 (hg19) VCF-style: chr11-108117764-T-C.
Other names: c.975T>C, p.His325= (NM_001351834.2).
Identifiers: ClinVar variation 187006 (VCV000187006.16), dbSNP rs746825207, ClinGen allele CA196475.

ClinVar aggregate classification (germline): Benign/Likely benign. Review status: criteria provided, multiple submitters, no conflicts (2 of 4 stars). 4 submissions from 4 submitters: Benign (1); Likely benign (3). Last evaluated 2025-11-11.

Conditions:
Hereditary cancer-predisposing syndrome. Also called: Hereditary Cancer Syndrome; Neoplastic Syndromes, Hereditary; Tumor predisposition; Hereditary neoplastic syndrome. Identifiers: Orphanet 140162, MedGen C0027672, MeSH D009386, MONDO:0015356.
Familial cancer of breast. Also called: BREAST CANCER, FAMILIAL; Hereditary breast cancer; hereditary breast carcinoma. Identifiers: Orphanet 227535, MedGen C0346153, MONDO:0016419, OMIM 114480. Disease mechanism: loss of function.
Ataxia-telangiectasia syndrome (AT). Also called: Ataxia-telangiectasia, complementation group D; AT, COMPLEMENTATION GROUP C; ATAXIA-TELANGIECTASIA, COMPLEMENTATION GROUP A; ATAXIA-TELANGIECTASIA, FRESNO VARIANT; Ataxia-telangiectasia; LOUIS-BAR SYNDROME. Identifiers: Orphanet 100, MedGen C0004135, MONDO:0008840, OMIM 208900.

Allele frequency attached by ClinVar (database versions not stated): gnomAD exomes below 0.00001; ExAC 0.00001.
gnomAD v4.1: 4 of 1,613,610 alleles (0.00025%); highest among the groups gnomAD compares: East Asian, 0.0022%; no homozygotes.

Submissions (4):

Labcorp Genetics (formerly Invitae), Labcorp
Classification: Likely benign for Ataxia-telangiectasia syndrome. Last evaluated: 2025-11-11. Review status: criteria provided, single submitter. Criteria: Invitae Variant Classification Sherloc (09022015). Collection method: clinical testing. Allele origin: germline.

Myriad Genetics, Inc.
Classification: Benign for Familial cancer of breast. Last evaluated: 2024-04-24. Review status: criteria provided, single submitter. Criteria: Myriad Autosomal Dominant, Autosomal Recessive and X-Linked Classification Criteria (2023). Collection method: clinical testing. Allele origin: unknown.
Comment: This variant is considered benign. This variant is a silent/synonymous amino acid change and it is not expected to impact splicing.

GeneDx
Classification: Likely benign. Last evaluated: 2018-04-02. Review status: criteria provided, single submitter. Criteria: GeneDx Variant Classification (06012015). Collection method: clinical testing. Allele origin: germline. Affected: yes.
Comment: This variant is considered likely benign or benign based on one or more of the following criteria: it is a conservative change, it occurs at a poorly conserved position in the protein, it is predicted to be benign by multiple in silico algorithms, and/or has population frequency not consistent with disease.

Ambry Genetics
Classification: Likely benign for Hereditary cancer-predisposing syndrome. Last evaluated: 2014-10-29. Review status: criteria provided, single submitter. Criteria: Ambry Variant Classification Scheme 2023. Collection method: clinical testing. Allele origin: germline.